The following is an entry in ClinVar:

ClinVar aggregate classification (germline): Uncertain significance (1 of 4 stars; one submission).

gnomAD v4.1: 1 of 1,557,112 alleles (0.000064%); highest among the groups gnomAD compares: African/African-American, 0.0014%; no homozygotes.

Submission:

GeneDx
Classification: Uncertain significance. Last evaluated: 2023-08-07. Review status: criteria provided, single submitter. Criteria: GeneDx Variant Classification Process June 2021. Collection method: clinical testing. Allele origin: germline. Affected: yes.
Comment: Not observed at significant frequency in large population cohorts (gnomAD); In silico analysis supports that this missense variant has a deleterious effect on protein structure/function; Has not been previously published as pathogenic or benign to our knowledge

NM_005429.5(VEGFC):c.61G>C (p.Gly21Arg)

Gene: VEGFC (vascular endothelial growth factor C; minus strand). Cytogenetic location: 4q34.3.
Variant type: single nucleotide variant.
Coding change: c.61G>C on transcript NM_005429.5 (MANE Select); coding-DNA position 61, G replaced by C.
Protein change: p.Gly21Arg; replaces glycine 21 with arginine.
Molecular consequence: missense variant.
Genome position (GRCh38, 1-based): chr4:176,792,251, C>G on the plus strand (G>C on the coding strand, the complement: VEGFC is on the minus strand). VCF-style: chr4-176792251-C-G. GRCh37 (hg19) VCF-style: chr4-177713405-C-G.
Other names: short protein forms G21R.
Identifiers: ClinVar variation 3253250 (VCV003253250.1), dbSNP rs1209217872.